The following is an entry in ClinVar:

NM_001354604.2(MITF):c.1205A>C (p.His402Pro)

Gene: MITF (melanocyte inducing transcription factor; plus strand). Cytogenetic location: 3p13.
Variant type: single nucleotide variant.
Coding change: c.1205A>C on transcript NM_001354604.2 (MANE Select); coding-DNA position 1205, A replaced by C.
Protein change: p.His402Pro; replaces histidine 402 with proline.
Molecular consequence: missense variant.
Genome position (GRCh38, 1-based): chr3:69,964,872, A>C. VCF-style: chr3-69964872-A-C. GRCh37 (hg19) VCF-style: chr3-70014023-A-C.
Other names: c.884A>C, p.His295Pro (NM_000248.4); c.1031A>C, p.His344Pro (NM_001184967.2, NM_001354608.2); c.1202A>C, p.His401Pro (NM_001354605.2); c.1184A>C, p.His395Pro (NM_001354606.2, NM_006722.3); c.1136A>C, p.His379Pro (NM_001354607.2); c.866A>C, p.His289Pro (NM_198158.3); c.1187A>C, p.His396Pro (NM_198159.3); c.1139A>C, p.His380Pro (NM_198177.3); and 1 more; short protein forms H233P, H289P, H379P, H380P, H396P, H395P, H295P, H344P.
Identifiers: ClinVar variation 2922665 (VCV002922665.4), dbSNP rs2471671683, ClinGen allele CA353559357.

ClinVar aggregate classification (germline): Uncertain significance. Review status: criteria provided, multiple submitters, no conflicts (2 of 4 stars). 2 submissions from 2 submitters: Uncertain significance (2). Last evaluated 2025-10-21.

Conditions:
Tietz syndrome (TADS). Also called: HYPOPIGMENTATION/DEAFNESS OF TIETZ; ALBINISM-DEAFNESS OF TIETZ; TIETZ ALBINISM-DEAFNESS SYNDROME. Identifiers: Orphanet 42665, MedGen C0391816, MONDO:0007077, OMIM 103500.
Melanoma, cutaneous malignant, susceptibility to, 8. Also called: Cutaneous malignant melanoma 8; MELANOMA AND RENAL CELL CARCINOMA, SUSCEPTIBILITY TO. Identifiers: Orphanet 293822, MedGen C3152204, MONDO:0013759, OMIM 614456.
Waardenburg syndrome type 2A (WS2A). Also called: WAARDENBURG SYNDROME WITHOUT DYSTOPIA CANTHORUM. Identifiers: Orphanet 3440, MedGen C1860339, MONDO:0008671, OMIM 193510.
Hereditary cancer-predisposing syndrome. Also called: Neoplastic Syndromes, Hereditary; Hereditary Cancer Syndrome; Tumor predisposition; Hereditary neoplastic syndrome. Identifiers: Orphanet 140162, MedGen C0027672, MeSH D009386, MONDO:0015356.

Submissions (2):

Ambry Genetics
Classification: Uncertain significance for Hereditary cancer-predisposing syndrome. Last evaluated: 2025-10-21. Review status: criteria provided, single submitter. Criteria: Ambry Variant Classification Scheme 2023. Collection method: clinical testing. Allele origin: germline.
Comment: The p.H295P variant (also known as c.884A>C), located in coding exon 9 of the MITF gene, results from an A to C substitution at nucleotide position 884. The histidine at codon 295 is replaced by proline, an amino acid with similar properties. This amino acid position is conserved. In addition, this alteration is predicted to be deleterious by in silico analysis. Based on the available evidence, the clinical significance of this variant remains unclear.

Labcorp Genetics (formerly Invitae), Labcorp
Classification: Uncertain significance for Melanoma, cutaneous malignant, susceptibility to, 8; Waardenburg syndrome type 2A; Tietz syndrome. Last evaluated: 2023-10-13. Review status: criteria provided, single submitter. Criteria: Invitae Variant Classification Sherloc (09022015). Collection method: clinical testing. Allele origin: germline.
Comment: This sequence change replaces histidine, which is basic and polar, with proline, which is neutral and non-polar, at codon 295 of the MITF protein (p.His295Pro). This variant is not present in population databases (gnomAD no frequency). This variant has not been reported in the literature in individuals affected with MITF-related conditions. Advanced modeling of protein sequence and biophysical properties (such as structural, functional, and spatial information, amino acid conservation, physicochemical variation, residue mobility, and thermodynamic stability) performed at Invitae indicates that this missense variant is expected to disrupt MITF protein function. Algorithms developed to predict the effect of sequence changes on RNA splicing suggest that this variant may disrupt the consensus splice site. In summary, the available evidence is currently insufficient to determine the role of this variant in disease. Therefore, it has been classified as a Variant of Uncertain Significance.